The following is an entry in ClinVar:

ClinVar aggregate classification (germline): Pathogenic. Review status: criteria provided, multiple submitters, no conflicts (2 of 4 stars). 2 submissions from 2 submitters: Pathogenic (2). Last evaluated 2025-10-02.

Conditions:
Stromme syndrome (STROMS). Also called: APPLE PEEL SYNDROME WITH MICROCEPHALY AND OCULAR ANOMALIES; Ciliary dyskinesia, primary, 31; Strømme Syndrome. Identifiers: Orphanet 444069, Orphanet 506307, MedGen C1855705, MONDO:0009477, OMIM 243605.

Submissions (2):

Labcorp Genetics (formerly Invitae), Labcorp
Classification: Pathogenic. Last evaluated: 2025-10-02. Review status: criteria provided, single submitter. Criteria: Invitae Variant Classification Sherloc (09022015). Collection method: clinical testing. Allele origin: germline.
Comment: This sequence change creates a premature translational stop signal (p.Glu1257*) in the CENPF gene. It is expected to result in an absent or disrupted protein product. Loss-of-function variants in CENPF are known to be pathogenic (PMID: 25564561, 26820108). This variant is present in population databases (no rsID available, gnomAD 0.002%). This variant has not been reported in the literature in individuals affected with CENPF-related conditions. For these reasons, this variant has been classified as Pathogenic.

Institute for Clinical Genetics, University Hospital TU Dresden, University Hospital TU Dresden
Classification: Pathogenic for Stromme syndrome. Last evaluated: 2024-12-11. Review status: criteria provided, single submitter. Criteria: ACMG Guidelines, 2015. Collection method: clinical testing. Allele origin: maternal. Affected: yes.
Comment: PVS1, PM2_SUP, PM3

Literature cited by the submitters: PubMed 25564561 (cited by Labcorp Genetics (formerly Invitae), Labcorp); PubMed 26820108 (cited by Labcorp Genetics (formerly Invitae), Labcorp).

NM_016343.4(CENPF):c.3769G>T (p.Glu1257Ter)

Gene: CENPF (centromere protein F; plus strand). Cytogenetic location: 1q41.
Variant type: single nucleotide variant.
Coding change: c.3769G>T on transcript NM_016343.4 (MANE Select); coding-DNA position 3769, G replaced by T.
Protein change: p.Glu1257Ter; replaces glutamic acid 1257 with a stop codon.
Molecular consequence: nonsense.
Genome position (GRCh38, 1-based): chr1:214,642,107, G>T. VCF-style: chr1-214642107-G-T. GRCh37 (hg19) VCF-style: chr1-214815450-G-T.
Other names: short protein forms E1257*.
Identifiers: ClinVar variation 4699529 (VCV004699529.2).